The following is an entry in ClinVar:

NM_000620.5(NOS1):c.3048A>C (p.Ser1016=)

Gene: NOS1 (nitric oxide synthase 1; minus strand). Cytogenetic location: 12q24.22.
Variant type: single nucleotide variant.
Coding change: c.3048A>C on transcript NM_000620.5 (MANE Select); coding-DNA position 3048, A replaced by C.
Protein change: p.Ser1016=; no amino-acid change (serine 1016 retained).
Molecular consequence: synonymous variant.
Genome position (GRCh38, 1-based): chr12:117,234,752, T>G on the plus strand (A>C on the coding strand, the complement: NOS1 is on the minus strand). VCF-style: chr12-117234752-T-G. GRCh37 (hg19) VCF-style: chr12-117672557-T-G.
Other names: c.2040A>C, p.Ser680= (NM_001204213.2, NM_001204214.2); c.3150A>C, p.Ser1050= (NM_001204218.2).
Identifiers: ClinVar variation 2643375 (VCV002643375.24), dbSNP rs370076270, ClinGen allele CA6814614.
Genomic context (GRCh38, chr12:117,234,752, plus strand): 5'-GTCCCCAGGCTGGTACTGCAGCTCCTGGCTCCCGTTGGTGTGGAGACGCACGAAGATAGT[T>G]GACCGACTGCAGGAAATTGCAGAGGAATCATAGGACAAGGGCCAGCAGCTACTTCCTCCT-3'
Protein context (NP_000611.1, residues 1006-1026): QNLQSPKSSR[Ser1016=]TIFVRLHTNG

ClinVar aggregate classification (germline): Likely benign (1 of 4 stars; one submission).

Allele frequency attached by ClinVar (database versions not stated): ExAC 0.00003; gnomAD 0.00003; TOPMed 0.00003; ESP Exome Variant Server 0.00024.
gnomAD v4.1: 17 of 1,607,464 alleles (0.0011%); highest among the groups gnomAD compares: Non-Finnish European, 0.0014%; no homozygotes.

Submission:

CeGaT Center for Human Genetics Tuebingen
Classification: Likely benign. Last evaluated: 2023-01-01. Review status: criteria provided, single submitter. Criteria: CeGaT Center For Human Genetics Tuebingen Variant Classification Criteria Version 2. Collection method: clinical testing. Allele origin: germline. Affected: yes. Observed: 1 variant allele.
Comment: NOS1: BP4, BP7